The following is an entry in ClinVar:

ClinVar aggregate classification (germline): Benign/Likely benign. Review status: criteria provided, multiple submitters, no conflicts (2 of 4 stars). 5 submissions from 5 submitters: Benign (2); Likely benign (2). 1 of the submissions does not count toward it. Last evaluated 2026-02-04.

Conditions:
AR-related disorder. Also called: AR-related condition.
Androgen resistance syndrome (AIS). Also called: Androgen insensitivity, complete; Androgen insensitivity; DHTR DEFICIENCY; TESTICULAR FEMINIZATION SYNDROME; ANDROGEN RECEPTOR DEFICIENCY; DIHYDROTESTOSTERONE RECEPTOR DEFICIENCY. Identifiers: Orphanet 754, Orphanet 99429, MedGen C0039585, MONDO:0019154, OMIM 300068. Disease mechanism: loss of function.
Kennedy disease (SMAX1). Also called: SPINAL AND BULBAR MUSCULAR ATROPHY, X-LINKED 1; KENNEDY SPINAL AND BULBAR MUSCULAR ATROPHY; Spinal and Bulbar Muscular Atrophy. Identifiers: Orphanet 481, MedGen C1839259, MONDO:0010735, OMIM 313200.

Submissions (5):

Labcorp Genetics (formerly Invitae), Labcorp
Classification: Benign for Kennedy disease; Androgen resistance syndrome. Last evaluated: 2026-02-04. Review status: criteria provided, single submitter. Criteria: Invitae Variant Classification Sherloc (09022015). Collection method: clinical testing. Allele origin: germline.

Laboratory of Genetics, Children's Clinical University Hospital Latvia
Classification: Likely benign. Last evaluated: 2025-02-16. Review status: criteria provided, single submitter. Criteria: ACMG Guidelines, 2015. Collection method: clinical testing. Allele origin: germline. Affected: yes.

Blueprint Genetics
Classification: Likely benign. Last evaluated: 2024-11-28. Review status: criteria provided, single submitter. Criteria: ACMG Guidelines, 2015. Collection method: clinical testing. Allele origin: germline.

GeneDx
Classification: Benign. Last evaluated: 2015-04-09. Review status: criteria provided, single submitter. Criteria: GeneDx Variant Classification Process June 2021. Collection method: clinical testing. Allele origin: germline. Affected: yes.

PreventionGenetics, part of Exact Sciences
Classification: Likely benign for AR-related condition. Last evaluated: 2020-03-17. Review status: no assertion criteria provided. Collection method: clinical testing. Allele origin: germline. Not counted in ClinVar's aggregate classification.
Comment: This variant is classified as likely benign based on ACMG/AMP sequence variant interpretation guidelines (Richards et al. 2015 PMID: 25741868, with internal and published modifications).

NM_000044.6(AR):c.171GCA[27] (p.Gln77_Gln80dup)

Genes: AR (androgen receptor; plus strand), LOC109504725 (androgen receptor repeat instability region; plus strand). Cytogenetic location: Xq12.
Variant type: Microsatellite.
Coding change: c.171GCA[27] on transcript NM_000044.6 (MANE Select); 27 copies in a row of the 3-base unit GCA starting at c.171; the reference has 23 copies in a row; four copies, 12 bases duplicated.
Protein change: p.Gln77_Gln80dup.
Molecular consequence: inframe insertion. On other transcripts: 5 prime UTR variant (1).
Genome position (GRCh38, 1-based): chrX:67,545,374-67,545,385, GCAGCAGCAGCA duplicated; duplicating any 12 consecutive bases within chrX:67,545,317-67,545,385 gives the same sequence; the position shown is the placement nearest the transcript's 3' end. VCF-style (leftmost placement, unchanged base first): chrX-67545316-T-TGCAGCAGCAGCA. GRCh37 (hg19) VCF-style: chrX-66765158-T-TGCAGCAGCAGCA.
Other names: c.228_239dup12 (NM_000044.3); c.-1613GCA[27] (NM_001011645.3); c.171GCA[27], p.Gln77_Gln80dup (NM_001348061.1, NM_001348063.1, NM_001348064.1).
Identifiers: ClinVar variation 1168151 (VCV001168151.17), dbSNP rs3032358, ClinGen allele CA517047903.